The following is an entry in ClinVar:

ClinVar aggregate classification (germline): Pathogenic (1 of 4 stars; one submission).

Conditions:
Autosomal recessive nonsyndromic hearing loss 30. Identifiers: Orphanet 90636, MedGen C1846784, MONDO:0011774, OMIM 607101.

Submission:

Women's Health and Genetics/Laboratory Corporation of America, LabCorp
Classification: Pathogenic for Autosomal recessive nonsyndromic hearing loss 30. Last evaluated: 2024-09-04. Review status: criteria provided, single submitter. Criteria: LabCorp Variant Classification Summary - May 2015. Collection method: clinical testing. Allele origin: germline.
Comment: Variant summary: MYO3A c.4583_4586delACAG (p.Asp1528ValfsX6) results in a premature termination codon, predicted to cause a truncation of the encoded protein or absence of the protein due to nonsense mediated decay, which are commonly known mechanisms for disease. The variant was absent in 237000 control chromosomes. To our knowledge, no occurrence of c.4583_4586delACAG in individuals affected with Autosomal Recessive Nonsyndromic Hearing Loss 30 and no experimental evidence demonstrating its impact on protein function have been reported. No submitters have cited clinical-significance assessments for this variant to ClinVar. Based on the evidence outlined above, the variant was classified as pathogenic.

NM_017433.5(MYO3A):c.4583_4586del (p.Asp1528fs)

Gene: MYO3A (myosin IIIA; plus strand). Cytogenetic location: 10p12.1.
Variant type: Deletion.
Coding change: c.4583_4586del on transcript NM_017433.5 (MANE Select); coding-DNA positions 4583 to 4586, 4 bases deleted (ACAG; older notation c.4583_4586delACAG).
Protein change: p.Asp1528fs; shifts the reading frame from aspartic acid 1528.
Molecular consequence: frameshift variant.
Genome position (GRCh38, 1-based): chr10:26,201,302-26,201,305, ACAG deleted; deleting any 4 consecutive bases within chr10:26,201,300-26,201,305 gives the same sequence; the c. name uses the placement nearest the transcript's 3' end. VCF-style (leftmost placement, unchanged base first): chr10-26201299-AAGAC-A. GRCh37 (hg19) VCF-style: chr10-26490228-AAGAC-A.
Other names: c.4583_4586delACAG (NM_017433.5); short protein forms D1528fs.
Identifiers: ClinVar variation 3375082 (VCV003375082.1).